The following is an entry in ClinVar:

NM_152701.5(ABCA13):c.8940G>A (p.Ala2980=)

Gene: ABCA13 (ATP binding cassette subfamily A member 13; plus strand). Cytogenetic location: 7p12.3.
Variant type: single nucleotide variant.
Coding change: c.8940G>A on transcript NM_152701.5 (MANE Select); coding-DNA position 8940, G replaced by A.
Protein change: p.Ala2980=; no amino-acid change (alanine 2980 retained).
Molecular consequence: synonymous variant.
Genome position (GRCh38, 1-based): chr7:48,288,063, G>A. VCF-style: chr7-48288063-G-A. GRCh37 (hg19) VCF-style: chr7-48327660-G-A.
Identifiers: ClinVar variation 2657481 (VCV002657481.24), dbSNP rs750609118, ClinGen allele CA4257818.

ClinVar aggregate classification (germline): Likely benign (1 of 4 stars; one submission).

Allele frequency attached by ClinVar (database versions not stated): TOPMed 0.00003; gnomAD 0.00004.
gnomAD v4.1: 53 of 1,613,724 alleles (0.0033%); highest among the groups gnomAD compares: South Asian, 0.0088%; no homozygotes.

Submission:

CeGaT Center for Human Genetics Tuebingen
Classification: Likely benign. Last evaluated: 2022-07-01. Review status: criteria provided, single submitter. Criteria: CeGaT Center For Human Genetics Tuebingen Variant Classification Criteria Version 2. Collection method: clinical testing. Allele origin: germline. Affected: yes. Observed: 1 variant allele.
Comment: ABCA13: BP4, BP7